The following is an entry in ClinVar:

NM_024675.4(PALB2):c.3203G>C (p.Gly1068Ala)

Gene: PALB2 (partner and localizer of BRCA2; minus strand). Cytogenetic location: 16p12.2.
Variant type: single nucleotide variant.
Coding change: c.3203G>C on transcript NM_024675.4 (MANE Select); coding-DNA position 3203, G replaced by C.
Protein change: p.Gly1068Ala; replaces glycine 1068 with alanine.
Molecular consequence: missense variant.
Genome position (GRCh38, 1-based): chr16:23,608,011, C>G on the plus strand (G>C on the coding strand, the complement: PALB2 is on the minus strand). VCF-style: chr16-23608011-C-G. GRCh37 (hg19) VCF-style: chr16-23619332-C-G.
Other names: short protein forms G1068A.
Identifiers: ClinVar variation 185957 (VCV000185957.18), dbSNP rs759587160, ClinGen allele CA193491.

ClinVar aggregate classification (germline): Uncertain significance. Review status: criteria provided, multiple submitters, no conflicts (2 of 4 stars). 3 submissions from 3 submitters: Uncertain significance (3). Last evaluated 2023-12-14.

Conditions:
Hereditary cancer-predisposing syndrome. Also called: Hereditary neoplastic syndrome; Neoplastic Syndromes, Hereditary; Tumor predisposition; Hereditary Cancer Syndrome. Identifiers: Orphanet 140162, MedGen C0027672, MeSH D009386, MONDO:0015356.
Familial cancer of breast. Also called: BREAST CANCER, FAMILIAL; Hereditary breast cancer; hereditary breast carcinoma. Identifiers: Orphanet 227535, MedGen C0346153, MONDO:0016419, OMIM 114480. Disease mechanism: loss of function.

Submissions (3):

Ambry Genetics
Classification: Uncertain significance for Hereditary cancer-predisposing syndrome. Last evaluated: 2023-12-14. Review status: criteria provided, single submitter. Criteria: Ambry Variant Classification Scheme 2023. Collection method: clinical testing. Allele origin: germline.
Comment: The p.G1068A variant (also known as c.3203G>C), located in coding exon 12 of the PALB2 gene, results from a G to C substitution at nucleotide position 3203. The glycine at codon 1068 is replaced by alanine, an amino acid with similar properties. This variant was not reported in population based cohorts in the following databases: Database of Single Nucleotide Polymorphisms (dbSNP), NHLBI Exome Sequencing Project (ESP), and 1000 Genomes Project. In the ESP, this variant was not observed in 6497 samples (12994 alleles) with coverage at this position. To date, this alteration has been detected with an allele frequency of approximately 0.001% (greater than 225000 alleles tested) in our clinical cohort. This amino acid position is highly conserved in available vertebrate species. In addition, the in silico prediction for this alteration is inconclusive. Since supporting evidence is limited at this time, the clinical significance of p.G1068A remains unclear.

Color Diagnostics, LLC DBA Color Health
Classification: Uncertain significance for Hereditary cancer-predisposing syndrome. Last evaluated: 2020-09-08. Review status: criteria provided, single submitter. Criteria: ACMG Guidelines, 2015. Collection method: clinical testing. Allele origin: germline.
Comment: This missense variant replaces glycine with alanine at codon 1068 of the PALB2 protein. Computational prediction suggests that this variant may not impact protein structure and function (internally defined REVEL score threshold <= 0.5, PMID: 27666373). To our knowledge, functional studies have not been reported for this variant. This variant has not been reported in individuals affected with hereditary cancer in the literature. This variant has not been identified in the general population by the Genome Aggregation Database (gnomAD). The available evidence is insufficient to determine the role of this variant in disease conclusively. Therefore, this variant is classified as a Variant of Uncertain Significance.

Labcorp Genetics (formerly Invitae), Labcorp
Classification: Uncertain significance for Familial cancer of breast. Last evaluated: 2019-11-12. Review status: criteria provided, single submitter. Criteria: Invitae Variant Classification Sherloc (09022015). Collection method: clinical testing. Allele origin: germline.
Comment: In summary, this variant is a rare missense change with uncertain impact on protein function. It has been classified as a Variant of Uncertain Significance. Algorithms developed to predict the effect of missense changes on protein structure and function do not agree on the potential impact of this missense change (SIFT: "Tolerated"; PolyPhen-2: "Probably Damaging"; Align-GVGD: "Class C0"). This variant is not present in population databases (ExAC no frequency) and has not been reported in the literature in individuals with a PALB2-related disease. ClinVar contains an entry for this variant (Variation ID: 185957). This sequence change replaces glycine with alanine at codon 1068 of the PALB2 protein (p.Gly1068Ala). The glycine residue is highly conserved and there is a small physicochemical difference between glycine and alanine.